The following is an entry in ClinVar:

NM_032119.4(ADGRV1):c.5920G>A (p.Asp1974Asn)

Gene: ADGRV1 (adhesion G protein-coupled receptor V1; plus strand). Cytogenetic location: 5q14.3.
Variant type: single nucleotide variant.
Coding change: c.5920G>A on transcript NM_032119.4 (MANE Select); coding-DNA position 5920, G replaced by A.
Protein change: p.Asp1974Asn; replaces aspartic acid 1974 with asparagine.
Molecular consequence: missense variant. On other transcripts: non-coding transcript variant (1).
Genome position (GRCh38, 1-based): chr5:90,683,841, G>A. VCF-style: chr5-90683841-G-A. GRCh37 (hg19) VCF-style: chr5-89979658-G-A.
Other names: short protein forms D1974N.
Identifiers: ClinVar variation 3369693 (VCV003369693.2).

ClinVar aggregate classification (germline): Uncertain significance (1 of 4 stars; one submission).

Submission:

GeneDx
Classification: Uncertain significance. Last evaluated: 2024-12-17. Review status: criteria provided, single submitter. Criteria: GeneDx Variant Classification Process June 2021. Collection method: clinical testing. Allele origin: germline.
Comment: Not observed at significant frequency in large population cohorts (gnomAD); In silico analysis supports that this missense variant has a deleterious effect on protein structure/function; Has not been previously published as pathogenic or benign to our knowledge